The following is an entry in ClinVar:

NM_001035.3(RYR2):c.8120A>G (p.Asp2707Gly)

Gene: RYR2 (ryanodine receptor 2; plus strand). Cytogenetic location: 1q43.
Variant type: single nucleotide variant.
Coding change: c.8120A>G on transcript NM_001035.3 (MANE Select); coding-DNA position 8120, A replaced by G.
Protein change: p.Asp2707Gly; replaces aspartic acid 2707 with glycine.
Molecular consequence: missense variant.
Genome position (GRCh38, 1-based): chr1:237,655,975, A>G. VCF-style: chr1-237655975-A-G. GRCh37 (hg19) VCF-style: chr1-237819275-A-G.
Other names: c.8120A>G (NM_001035.2); short protein forms D2707G.
Identifiers: ClinVar variation 2742459 (VCV002742459.4), dbSNP rs1683206457, ClinGen allele CA345401072.
Genomic context (GRCh38, chr1:237,655,975, plus strand): 5'-GTATGATGGAAAAACAGTCATCAATGGATTCTGAAGGGAACTTTAACCCACAACCTGTTG[A>G]TACCTCAAAGTATGGACTCTTTCTATTGCAGCAGATTTTTATTGTAAATGATGTGTGAAG-3'
Protein context (NP_001026.2, residues 2697-2717): SEGNFNPQPV[Asp2707Gly]TSNITIPEKL

ClinVar aggregate classification (germline): Uncertain significance. Review status: criteria provided, multiple submitters, no conflicts (2 of 4 stars). 2 submissions from 2 submitters: Uncertain significance (2). Last evaluated 2025-12-29.

Conditions:
Cardiovascular phenotype. Identifiers: MedGen CN230736.
Catecholaminergic polymorphic ventricular tachycardia 1. Also called: VENTRICULAR TACHYCARDIA, STRESS-INDUCED POLYMORPHIC 1; VENTRICULAR TACHYCARDIA, CATECHOLAMINERGIC POLYMORPHIC, 1, WITH OR WITHOUT ATRIAL DYSFUNCTION AND/OR DILATED CARDIOMYOPATHY; RYR2-Related Catecholaminergic Polymorphic Ventricular Tachycardia. Identifiers: Orphanet 3286, MedGen C1631597, MONDO:0011484, OMIM 604772.

Allele frequency attached by ClinVar (database versions not stated): TOPMed below 0.00001.

Submissions (2):

Ambry Genetics
Classification: Uncertain significance for Cardiovascular phenotype. Last evaluated: 2025-12-29. Review status: criteria provided, single submitter. Criteria: Ambry Variant Classification Scheme 2023. Collection method: clinical testing. Allele origin: germline.

Labcorp Genetics (formerly Invitae), Labcorp
Classification: Uncertain significance for Catecholaminergic polymorphic ventricular tachycardia 1. Last evaluated: 2022-11-03. Review status: criteria provided, single submitter. Criteria: Invitae Variant Classification Sherloc (09022015). Collection method: clinical testing. Allele origin: germline.
Comment: This sequence change replaces aspartic acid, which is acidic and polar, with glycine, which is neutral and non-polar, at codon 2707 of the RYR2 protein (p.Asp2707Gly). This variant is not present in population databases (gnomAD no frequency). This variant has not been reported in the literature in individuals affected with RYR2-related conditions. Advanced modeling of protein sequence and biophysical properties (such as structural, functional, and spatial information, amino acid conservation, physicochemical variation, residue mobility, and thermodynamic stability) performed at Invitae indicates that this missense variant is not expected to disrupt RYR2 protein function. In summary, the available evidence is currently insufficient to determine the role of this variant in disease. Therefore, it has been classified as a Variant of Uncertain Significance.